The following is an entry in ClinVar:

NM_018060.4(IARS2):c.2414+222G>A

Gene: IARS2 (isoleucyl-tRNA synthetase 2, mitochondrial; plus strand). Cytogenetic location: 1q41.
Variant type: single nucleotide variant.
Coding change: c.2414+222G>A on transcript NM_018060.4 (MANE Select); 222 bases into the intron after coding-DNA position 2414, G replaced by A.
Molecular consequence: intron variant.
Genome position (GRCh38, 1-based): chr1:220,140,511, G>A. VCF-style: chr1-220140511-G-A. GRCh37 (hg19) VCF-style: chr1-220313853-G-A.
Identifiers: ClinVar variation 680612 (VCV000680612.1), dbSNP rs3738337, ClinGen allele CA10702585.

ClinVar aggregate classification (germline): Benign (1 of 4 stars; one submission).

Allele frequency attached by ClinVar (database versions not stated): gnomAD 0.25164 and 0.25252; TOPMed 0.25866; 1000 Genomes Project 0.26617; 1000 Genomes Project 30x 0.26749.
gnomAD v4.1: 38,295 of 151,970 alleles (25%); highest among the groups gnomAD compares: East Asian, 40%; 4,950 homozygotes.

Submission:

GeneDx
Classification: Benign. Last evaluated: 2018-06-14. Review status: criteria provided, single submitter. Criteria: GeneDx Variant Classification (06012015). Collection method: clinical testing. Allele origin: germline. Affected: yes.
Comment: This variant is considered likely benign or benign based on one or more of the following criteria: it is a conservative change, it occurs at a poorly conserved position in the protein, it is predicted to be benign by multiple in silico algorithms, and/or has population frequency not consistent with disease.